The following is an entry in ClinVar:

ClinVar aggregate classification (germline): Conflicting classifications of pathogenicity. Review status: criteria provided, conflicting classifications (1 of 4 stars). 7 submissions from 7 submitters: Uncertain significance (4); Likely benign (3). Last evaluated 2026-06-15.

Conditions:
Noonan syndrome 8 (NS8). Identifiers: Orphanet 648, MedGen C3809233, MONDO:0014143, OMIM 615355.
Noonan syndrome and Noonan-related syndrome. Identifiers: Orphanet 98733, MedGen C5681679, MONDO:0020297.
Cardiovascular phenotype. Identifiers: MedGen CN230736.

Allele frequency attached by ClinVar (database versions not stated): gnomAD exomes 0.00003 and 0.00006; gnomAD 0.00004 and 0.00006; TOPMed 0.00004; ExAC 0.00006.
gnomAD v4.1: 54 of 1,613,760 alleles (0.0033%); highest among the groups gnomAD compares: South Asian, 0.032%; no homozygotes.

Submissions (7):

Women's Health and Genetics/Laboratory Corporation of America, LabCorp
Classification: Likely benign. Last evaluated: 2026-06-15. Review status: criteria provided, single submitter. Criteria: LabCorp Variant Classification Summary - May 2015. Collection method: clinical testing. Allele origin: germline.
Comment: Variant summary: RIT1 c.635G>A (p.Arg212Gln) results in a conservative amino acid change in the encoded protein sequence. Algorithms developed to predict the effect of missense changes on protein structure and function are either unavailable or do not agree on the potential impact of this missense change. The variant allele was found at a frequency of 6e-05 in 251402 control chromosomes. The observed variant frequency exceeds the estimated maximal expected allele frequency for disease-causing variants in RIT1. To our knowledge, no occurrence of c.635G>A in individuals affected with RIT1-related conditions and no experimental evidence demonstrating its impact on protein function have been reported. ClinVar contains an entry for this variant (Variation ID: 1334273). Based on the evidence outlined above, the variant was classified as likely benign.

CeGaT Center for Human Genetics Tuebingen
Classification: Likely benign. Last evaluated: 2026-03-01. Review status: criteria provided, single submitter. Criteria: CeGaT Center For Human Genetics Tuebingen Variant Classification Criteria Version 2. Collection method: clinical testing. Allele origin: germline. Affected: yes. Observed: 1 variant allele.
Comment: RIT1: BP4, BS2

Labcorp Genetics (formerly Invitae), Labcorp
Classification: Uncertain significance for Noonan syndrome 8. Last evaluated: 2025-11-27. Review status: criteria provided, single submitter. Criteria: Invitae Variant Classification Sherloc (09022015). Collection method: clinical testing. Allele origin: germline.
Comment: This sequence change replaces arginine, which is basic and polar, with glutamine, which is neutral and polar, at codon 212 of the RIT1 protein (p.Arg212Gln). This variant is present in population databases (rs764347644, gnomAD 0.02%). This variant has not been reported in the literature in individuals affected with RIT1-related conditions. ClinVar contains an entry for this variant (Variation ID: 1334273). Invitae Evidence Modeling incorporating data from in vitro experimental studies (internal data) indicates that this missense variant is not expected to disrupt RIT1 function with a negative predictive value of 95%. In summary, the available evidence is currently insufficient to determine the role of this variant in disease. Therefore, it has been classified as a Variant of Uncertain Significance.

Ambry Genetics
Classification: Uncertain significance for Cardiovascular phenotype. Last evaluated: 2025-05-21. Review status: criteria provided, single submitter. Criteria: Ambry Variant Classification Scheme 2023. Collection method: clinical testing. Allele origin: germline.
Comment: The p.R212Q variant (also known as c.635G>A), located in coding exon 5 of the RIT1 gene, results from a G to A substitution at nucleotide position 635. The arginine at codon 212 is replaced by glutamine, an amino acid with highly similar properties. This amino acid position is well conserved in available vertebrate species. In addition, this alteration is predicted to be tolerated by in silico analysis. Based on the available evidence, the clinical significance of this variant remains unclear.

Blueprint Genetics
Classification: Likely benign. Last evaluated: 2024-07-10. Review status: criteria provided, single submitter. Criteria: ACMG Guidelines, 2015. Collection method: clinical testing. Allele origin: germline.

Genome-Nilou Lab
Classification: Uncertain significance for Noonan syndrome 8. Last evaluated: 2023-04-11. Review status: criteria provided, single submitter. Criteria: ACMG Guidelines, 2015. Collection method: clinical testing. Allele origin: germline. Affected: no.

Genome Diagnostics Laboratory, The Hospital for Sick Children
Classification: Uncertain significance for Noonan syndrome and Noonan-related syndrome. Last evaluated: 2020-09-18. Review status: criteria provided, single submitter. Criteria: ACMG Guidelines, 2015. Collection method: clinical testing. Allele origin: germline.

NM_006912.6(RIT1):c.635G>A (p.Arg212Gln)

Gene: RIT1 (Ras like without CAAX 1; minus strand). Cytogenetic location: 1q22.
Variant type: single nucleotide variant.
Coding change: c.635G>A on transcript NM_006912.6 (MANE Select); coding-DNA position 635, G replaced by A.
Protein change: p.Arg212Gln; replaces arginine 212 with glutamine.
Molecular consequence: missense variant.
Genome position (GRCh38, 1-based): chr1:155,900,413, C>T on the plus strand (G>A on the coding strand, the complement: RIT1 is on the minus strand). VCF-style: chr1-155900413-C-T. GRCh37 (hg19) VCF-style: chr1-155870204-C-T.
Other names: c.527G>A, p.Arg176Gln (NM_001256820.2); c.686G>A, p.Arg229Gln (NM_001256821.2); short protein forms R176Q, R212Q, R229Q.
Identifiers: ClinVar variation 1334273 (VCV001334273.20), dbSNP rs764347644, ClinGen allele CA1151759.